The following is an entry in ClinVar:

NM_001457.4(FLNB):c.3884C>T (p.Thr1295Ile)

Gene: FLNB (filamin B; plus strand). Cytogenetic location: 3p14.3.
Variant type: single nucleotide variant.
Coding change: c.3884C>T on transcript NM_001457.4 (MANE Select); coding-DNA position 3884, C replaced by T.
Protein change: p.Thr1295Ile; replaces threonine 1295 with isoleucine.
Molecular consequence: missense variant.
Genome position (GRCh38, 1-based): chr3:58,124,491, C>T. VCF-style: chr3-58124491-C-T. GRCh37 (hg19) VCF-style: chr3-58110218-C-T.
Other names: c.3884C>T, p.Thr1295Ile (NM_001164317.2, NM_001164318.2, NM_001164319.2); short protein forms T1295I.
Identifiers: ClinVar variation 2850336 (VCV002850336.3), dbSNP rs879092580, ClinGen allele CA75448730.

ClinVar aggregate classification (germline): Uncertain significance (1 of 4 stars; one submission).

Allele frequency attached by ClinVar (database versions not stated): gnomAD exomes below 0.00001.
gnomAD v4.1: 1 of 1,614,240 alleles (0.000062%); highest among the groups gnomAD compares: South Asian, 0.0011%; no homozygotes.

Submission:

Labcorp Genetics (formerly Invitae), Labcorp
Classification: Uncertain significance. Last evaluated: 2023-03-27. Review status: criteria provided, single submitter. Criteria: Invitae Variant Classification Sherloc (09022015). Collection method: clinical testing. Allele origin: germline.
Comment: In summary, the available evidence is currently insufficient to determine the role of this variant in disease. Therefore, it has been classified as a Variant of Uncertain Significance. Advanced modeling of protein sequence and biophysical properties (such as structural, functional, and spatial information, amino acid conservation, physicochemical variation, residue mobility, and thermodynamic stability) performed at Invitae indicates that this missense variant is not expected to disrupt FLNB protein function. This variant has not been reported in the literature in individuals affected with FLNB-related conditions. This variant is not present in population databases (gnomAD no frequency). This sequence change replaces threonine, which is neutral and polar, with isoleucine, which is neutral and non-polar, at codon 1295 of the FLNB protein (p.Thr1295Ile).